The following is an entry in ClinVar:

NM_001253697.2(ERBIN):c.1020+8A>G

Gene: ERBIN (erbb2 interacting protein; plus strand). Cytogenetic location: 5q12.3.
Variant type: single nucleotide variant.
Coding change: c.1020+8A>G on transcript NM_001253697.2 (MANE Select); 8 bases into the intron after coding-DNA position 1020, A replaced by G.
Molecular consequence: intron variant.
Genome position (GRCh38, 1-based): chr5:66,025,985, A>G. VCF-style: chr5-66025985-A-G. GRCh37 (hg19) VCF-style: chr5-65321813-A-G.
Other names: c.1020+8A>G (NM_001253699.2, NM_018695.4, NM_001253698.2 and 3 more transcripts).
Identifiers: ClinVar variation 1118700 (VCV001118700.12), dbSNP rs374136182, ClinGen allele CA3286118.
Genomic context (GRCh38, chr5:66,025,985, plus strand): 5'-ACTTAAGAACTTTTGCTGCTGATCATAATTACTTACAGCAGTTGCCCCCAGAGGTAATGT[A>G]TTTTAGATTTGTTTAGATTTTTGTCTTTTCATTTTTTTCTGATTATCTTCATTATAGCTA-3'

ClinVar aggregate classification (germline): Likely benign. Review status: criteria provided, multiple submitters, no conflicts (2 of 4 stars). 3 submissions from 3 submitters: Likely benign (2). 1 of the submissions does not count toward it. Last evaluated 2025-12-23.

Conditions:
ERBIN-related disorder. Also called: ERBIN-related condition.

Allele frequency attached by ClinVar (database versions not stated): TOPMed 0.00014; ESP Exome Variant Server 0.00015; gnomAD 0.00016; gnomAD exomes 0.00018 and 0.00024; ExAC 0.00019.
gnomAD v4.1: 356 of 1,571,870 alleles (0.023%); highest among the groups gnomAD compares: Non-Finnish European, 0.028%; no homozygotes.

Submissions (3):

Labcorp Genetics (formerly Invitae), Labcorp
Classification: Likely benign. Last evaluated: 2025-12-23. Review status: criteria provided, single submitter. Criteria: Invitae Variant Classification Sherloc (09022015). Collection method: clinical testing. Allele origin: germline.

Blueprint Genetics
Classification: Likely benign. Last evaluated: 2024-10-03. Review status: criteria provided, single submitter. Criteria: ACMG Guidelines, 2015. Collection method: clinical testing. Allele origin: germline.

PreventionGenetics, part of Exact Sciences
Classification: Likely benign for ERBIN-related condition. Last evaluated: 2023-11-30. Review status: no assertion criteria provided. Collection method: clinical testing. Allele origin: germline. Not counted in ClinVar's aggregate classification.
Comment: This variant is classified as likely benign based on ACMG/AMP sequence variant interpretation guidelines (Richards et al. 2015 PMID: 25741868, with internal and published modifications).